The following is an entry in ClinVar:

ClinVar aggregate classification (germline): Pathogenic (1 of 4 stars; one submission).

Conditions:
Cornelia de Lange syndrome 1 (CDLS1). Also called: NIPBL-Related Cornelia de Lange Syndrome; TYPUS DEGENERATIVUS AMSTELODAMENSIS; Brachmann de Lange syndrome. Identifiers: Orphanet 199, MedGen C4551851, MONDO:0007387, OMIM 122470.

Submission:

Pediatric Department, Jinhua Municipal Central Hospital
Classification: Pathogenic for Cornelia de Lange syndrome 1. Review status: criteria provided, single submitter. Criteria: ACMG Guidelines, 2015. Collection method: research. Allele origin: germline. Affected: yes.
Comment: Variant: NIPBL c.6250_6343del (p.Val2085Profs*5) Classification: Pathogenic (PVS1+PS2+PS3+PM2+PP3) Evidence: 1. PVS1: LOF variant in a gene where haploinsufficiency is known to cause CdLS. 3.PS3:RT-PCR for in vitro splicing analysis and Minigene splicing assay (in vitro) were performed to confirme that the splice-donor variant caused the deletion of exon 36 in NIPBL. 4. PM2: Absent in gnomAD (v2.1.1, pLI=1.0). 5. PP3: Frameshift predicted to be deleterious. Phenotype: Cornelia de Lange syndrome (OMIM#122470).

Literature cited by the submitters: PubMed 20052760; PubMed 33323490.

NM_133433.4(NIPBL):c.6253_6343+3del

Gene: NIPBL (NIPBL cohesin loading factor; plus strand). Cytogenetic location: 5p13.2.
Variant type: Deletion.
Coding change: c.6253_6343+3del on transcript NM_133433.4 (MANE Select); coding-DNA position 6253 through 3 bases into the intron after coding-DNA position 6343, 94 bases deleted.
Molecular consequence: splice acceptor variant, splice donor variant.
Genome position (GRCh38, 1-based): chr5:37,044,639-37,044,732, 94 bases deleted. GRCh37 (hg19): chr5:37,044,741-37,044,834.
Other names: c.6253_6343+3del (NM_001438586.1, NM_015384.5).
Identifiers: ClinVar variation 4076968 (VCV004076968.1).